The following is an entry in ClinVar:

ClinVar aggregate classification (germline): Uncertain significance. Review status: criteria provided, single submitter (1 of 4 stars). 2 submissions from 2 submitters: Uncertain significance (1). 1 of the submissions does not count toward it. Last evaluated 2022-07-19.

Conditions:
Mucopolysaccharidosis, MPS-III-C (MPS3C). Also called: MPS IIIC (Sanfilippo Syndrome Type C); MUCOPOLYSACCHARIDOSIS, TYPE IIIC; Mucopolysaccharidosis type IIIC (Sanfilippo C); mucopolysaccharidosis type 3C; SANFILIPPO SYNDROME C; MPS III C. Identifiers: Orphanet 581, Orphanet 79271, MedGen C0086649, MONDO:0009657, OMIM 252930.
Retinitis pigmentosa 73 (RP73). Identifiers: Orphanet 791, MedGen C4225287, MONDO:0014687, OMIM 616544.

Allele frequency attached by ClinVar (database versions not stated): gnomAD exomes 0.00001.
gnomAD v4.1: 8 of 1,609,562 alleles (0.0005%); highest among the groups gnomAD compares: South Asian, 0.0089%; no homozygotes.

Submissions (2):

Labcorp Genetics (formerly Invitae), Labcorp
Classification: Uncertain significance for Retinitis pigmentosa 73; Mucopolysaccharidosis, MPS-III-C. Last evaluated: 2022-07-19. Review status: criteria provided, single submitter. Criteria: Invitae Variant Classification Sherloc (09022015). Collection method: clinical testing. Allele origin: germline.
Comment: This sequence change replaces glutamic acid, which is acidic and polar, with lysine, which is basic and polar, at codon 590 of the HGSNAT protein (p.Glu590Lys). This variant is present in population databases (no rsID available, gnomAD 0.01%). This variant has not been reported in the literature in individuals affected with HGSNAT-related conditions. ClinVar contains an entry for this variant (Variation ID: 1035859). Advanced modeling of protein sequence and biophysical properties (such as structural, functional, and spatial information, amino acid conservation, physicochemical variation, residue mobility, and thermodynamic stability) performed at Invitae indicates that this missense variant is not expected to disrupt HGSNAT protein function. Algorithms developed to predict the effect of sequence changes on RNA splicing suggest that this variant may create or strengthen a splice site. In summary, the available evidence is currently insufficient to determine the role of this variant in disease. Therefore, it has been classified as a Variant of Uncertain Significance.

Natera, Inc.
Classification: Uncertain significance for Mucopolysaccharidosis type IIIC. Last evaluated: 2020-02-26. Review status: no assertion criteria provided. Collection method: clinical testing. Allele origin: germline. Not counted in ClinVar's aggregate classification.

NM_152419.3(HGSNAT):c.1768G>A (p.Glu590Lys)

Gene: HGSNAT (heparan-alpha-glucosaminide N-acetyltransferase; plus strand). Cytogenetic location: 8p11.21.
Variant type: single nucleotide variant.
Coding change: c.1768G>A on transcript NM_152419.3 (MANE Select); coding-DNA position 1768, G replaced by A.
Protein change: p.Glu590Lys; replaces glutamic acid 590 with lysine.
Molecular consequence: missense variant.
Genome position (GRCh38, 1-based): chr8:43,199,429, G>A. VCF-style: chr8-43199429-G-A. GRCh37 (hg19) VCF-style: chr8-43054572-G-A.
Other names: c.1855G>A, p.Glu619Lys (NM_001363227.2); c.1576G>A, p.Glu526Lys (NM_001363228.2); c.904G>A, p.Glu302Lys (NM_001363229.2); short protein forms E590K, E619K, E302K, E526K.
Identifiers: ClinVar variation 1035859 (VCV001035859.3), dbSNP rs1163166400, ClinGen allele CA371121200.